The following is an entry in ClinVar:

ClinVar aggregate classification (germline): Uncertain significance. Review status: criteria provided, multiple submitters, no conflicts (2 of 4 stars). 3 submissions from 3 submitters: Uncertain significance (3). Last evaluated 2025-11-04.

Conditions:
Legius syndrome. Identifiers: Orphanet 137605, MedGen C1969623, MONDO:0012669, OMIM 611431. Disease mechanism: loss of function.

Submissions (3):

Labcorp Genetics (formerly Invitae), Labcorp
Classification: Uncertain significance for Legius syndrome. Last evaluated: 2025-11-04. Review status: criteria provided, single submitter. Criteria: Invitae Variant Classification Sherloc (09022015). Collection method: clinical testing. Allele origin: germline.
Comment: This sequence change replaces serine, which is neutral and polar, with isoleucine, which is neutral and non-polar, at codon 279 of the SPRED1 protein (p.Ser279Ile). Information on the frequency of this variant in the gnomAD database is not available, as this variant may be reported differently in the database. This variant has not been reported in the literature in individuals affected with SPRED1-related conditions. ClinVar contains an entry for this variant (Variation ID: 3361129). An algorithm developed to predict the effect of missense changes on protein structure and function (PolyPhen-2) suggests that this variant is likely to be tolerated. In summary, the available evidence is currently insufficient to determine the role of this variant in disease. Therefore, it has been classified as a Variant of Uncertain Significance.

Women's Health and Genetics/Laboratory Corporation of America, LabCorp
Classification: Uncertain significance. Last evaluated: 2025-07-24. Review status: criteria provided, single submitter. Criteria: LabCorp Variant Classification Summary - May 2015. Collection method: clinical testing. Allele origin: germline.
Comment: Variant summary: SPRED1 c.836_837delinsTA (p.Ser279Ile) results in a non-conservative amino acid change located in the c-Kit-binding domain (KBD; IPR023337) of the encoded protein sequence. Algorithms developed to predict the effect of missense changes on protein structure and function are either unavailable or do not agree on the potential impact of this missense change. The variant was absent in 1606940 control chromosomes (gnomAD). The available data on variant occurrences in the general population are insufficient to allow any conclusion about variant significance. To our knowledge, no occurrence of c.836_837delinsTA in individuals affected with Neurofibromatosis Type 1-Like Syndrome (Legius Syndrome) and no experimental evidence demonstrating its impact on protein function have been reported. ClinVar contains an entry for this variant (Variation ID: 3361129). Based on the evidence outlined above, the variant was classified as uncertain significance.

GeneDx
Classification: Uncertain significance. Last evaluated: 2023-07-14. Review status: criteria provided, single submitter. Criteria: GeneDx Variant Classification Process June 2021. Collection method: clinical testing. Allele origin: germline. Affected: yes.
Comment: Not observed at significant frequency in large population cohorts (gnomAD); In silico analysis supports that this variant does not alter protein structure/function; Has not been previously published as pathogenic or benign to our knowledge

NM_152594.3(SPRED1):c.836_837delinsTA (p.Ser279Ile)

Gene: SPRED1 (sprouty related EVH1 domain containing 1; plus strand). Cytogenetic location: 15q14.
Variant type: Indel.
Coding change: c.836_837delinsTA on transcript NM_152594.3 (MANE Select); coding-DNA positions 836 to 837, GT replaced by TA.
Protein change: p.Ser279Ile; replaces serine 279 with isoleucine.
Molecular consequence: missense variant.
Genome position (GRCh38, 1-based): chr15:38,351,165-38,351,166, GT replaced by TA. VCF-style: chr15-38351165-GT-TA. GRCh37 (hg19) VCF-style: chr15-38643366-GT-TA.
Other names: short protein forms S279I.
Identifiers: ClinVar variation 3361129 (VCV003361129.3).